The following is an entry in ClinVar:

NM_001122769.3(LCA5):c.307C>T (p.Arg103Trp)

Gene: LCA5 (lebercilin LCA5; minus strand). Cytogenetic location: 6q14.1.
Variant type: single nucleotide variant.
Coding change: c.307C>T on transcript NM_001122769.3 (MANE Select); coding-DNA position 307, C replaced by T.
Protein change: p.Arg103Trp; replaces arginine 103 with tryptophan.
Molecular consequence: missense variant.
Genome position (GRCh38, 1-based): chr6:79,513,625, G>A on the plus strand (C>T on the coding strand, the complement: LCA5 is on the minus strand). VCF-style: chr6-79513625-G-A. GRCh37 (hg19) VCF-style: chr6-80223342-G-A.
Other names: c.307C>T, p.Arg103Trp (NM_181714.4); short protein forms R103W.
Identifiers: ClinVar variation 1018795 (VCV001018795.4), dbSNP rs757969727, ClinGen allele CA3901141.

ClinVar aggregate classification (germline): Uncertain significance. Review status: criteria provided, multiple submitters, no conflicts (2 of 4 stars). 3 submissions from 3 submitters: Uncertain significance (2). 1 of the submissions does not count toward it. Last evaluated 2022-07-12.

Conditions:
Leber congenital amaurosis 5 (LCA5). Also called: Amaurosis congenita of Leber, type 5. Identifiers: Orphanet 65, MedGen C1858301, MONDO:0011473, OMIM 604537.

Allele frequency attached by ClinVar (database versions not stated): gnomAD exomes below 0.00001; ExAC 0.00001; gnomAD 0.00001; TOPMed 0.00001.

Submissions (3):

Labcorp Genetics (formerly Invitae), Labcorp
Classification: Uncertain significance. Last evaluated: 2022-07-12. Review status: criteria provided, single submitter. Criteria: Invitae Variant Classification Sherloc (09022015). Collection method: clinical testing. Allele origin: germline.
Comment: This sequence change replaces arginine, which is basic and polar, with tryptophan, which is neutral and slightly polar, at codon 103 of the LCA5 protein (p.Arg103Trp). This variant is present in population databases (rs757969727, gnomAD 0.008%). This variant has not been reported in the literature in individuals affected with LCA5-related conditions. ClinVar contains an entry for this variant (Variation ID: 1018795). Algorithms developed to predict the effect of missense changes on protein structure and function are either unavailable or do not agree on the potential impact of this missense change (SIFT: "Deleterious"; PolyPhen-2: "Possibly Damaging"; Align-GVGD: "Class C0"). In summary, the available evidence is currently insufficient to determine the role of this variant in disease. Therefore, it has been classified as a Variant of Uncertain Significance.

Blueprint Genetics
Classification: Uncertain significance. Last evaluated: 2021-09-30. Review status: criteria provided, single submitter. Criteria: ACMG Guidelines, 2015. Collection method: clinical testing. Allele origin: germline.

Natera, Inc.
Classification: Uncertain significance for Leber congenital amaurosis type 5. Last evaluated: 2020-11-04. Review status: no assertion criteria provided. Collection method: clinical testing. Allele origin: germline. Not counted in ClinVar's aggregate classification.